The following is an entry in ClinVar:

ClinVar aggregate classification (germline): Pathogenic. Review status: criteria provided, multiple submitters, no conflicts (2 of 4 stars). 7 submissions from 7 submitters: Pathogenic (5). 2 of the submissions do not count toward it. Last evaluated 2025-07-22.

Conditions:
VPS13B-related disorder. Also called: VPS13B-related condition.
Cohen syndrome (COH1). Also called: PEPPER SYNDROME; Cutis verticis gyrata, retinitis pigmentosa, and sensorineural deafness. Identifiers: Orphanet 193, MedGen C0265223, MONDO:0008999, OMIM 216550.

Submissions (7):

Natera, Inc.
Classification: Pathogenic for Cohen syndrome. Last evaluated: 2025-07-22. Review status: criteria provided, single submitter. Criteria: Natera Variant Classification Schema (03/2026). Collection method: clinical testing. Allele origin: germline.
Comment: The c.5998_5999delCT variant in VPS13B is a frameshift variant predicted to shift the reading frame beginning at codon 2000 and leads to a stop codon 2 codons downstream. This variant is expected to result in nonsense mediated decay, truncation, or a dysfunctional protein product. This variant is rare in the general population with a frequency below the threshold expected for the associated phenotype(s). This variant has been observed in one or more individuals affected with the associated recessive disease, as either homozygous or compound heterozygous with a second variant (PMID: 25271213). Additionally, this variant has been observed to segregate in affected family members (PMID: 25271213). Given the available evidence, this variant is classified as Pathogenic.

Labcorp Genetics (formerly Invitae), Labcorp
Classification: Pathogenic for Cohen syndrome. Last evaluated: 2024-10-07. Review status: criteria provided, single submitter. Criteria: Invitae Variant Classification Sherloc (09022015). Collection method: clinical testing. Allele origin: germline.
Comment: This sequence change creates a premature translational stop signal (p.Leu2000Alafs*2) in the VPS13B gene. It is expected to result in an absent or disrupted protein product. Loss-of-function variants in VPS13B are known to be pathogenic (PMID: 15141358, 16648375, 20461111). This variant is present in population databases (no rsID available, gnomAD 0.006%). This premature translational stop signal has been observed in individual(s) with Cohen syndrome (PMID: 25271213). ClinVar contains an entry for this variant (Variation ID: 280018). For these reasons, this variant has been classified as Pathogenic.

GeneDx
Classification: Pathogenic. Last evaluated: 2024-08-05. Review status: criteria provided, single submitter. Criteria: GeneDx Variant Classification Process June 2021. Collection method: clinical testing. Allele origin: germline. Affected: yes.
Comment: Frameshift variant predicted to result in protein truncation or nonsense mediated decay in a gene for which loss of function is a known mechanism of disease; Not observed at significant frequency in large population cohorts (gnomAD); This variant is associated with the following publications: (PMID: 31589614, 35183220, 25271213, 37217489)

Blueprint Genetics
Classification: Pathogenic for VPS13B-related disorders. Last evaluated: 2022-01-25. Review status: criteria provided, single submitter. Criteria: ACMG Guidelines, 2015. Collection method: clinical testing. Allele origin: germline. Affected: yes. Observed: 4 variant alleles.

Juno Genomics, Hangzhou Juno Genomics, Inc
Classification: Pathogenic for Cohen syndrome. Review status: criteria provided, single submitter. Criteria: ACMG Guidelines, 2015. Collection method: clinical testing. Allele origin: germline.
Comment: Absent from controls (or at extremely low frequency if recessive) in Genome Aggregation Database.;Null variant in a gene where loss of function (LOF) is a known mechanism of disease.;For recessive disorders, detected in trans with a pathogenic variant.;Co-segregation with disease in multiple affected family members.;Patient's phenotype or family history is highly specific for a disease with a single genetic etiology.

PreventionGenetics, part of Exact Sciences
Classification: Pathogenic for VPS13B-related condition. Last evaluated: 2024-09-03. Review status: no assertion criteria provided. Collection method: clinical testing. Allele origin: germline. Not counted in ClinVar's aggregate classification.
Comment: The VPS13B c.5923_5924delCT variant is predicted to result in a frameshift and premature protein termination (p.Leu1975Alafs*2). This variant was reported in the compound heterozygous state in an individual with Cohen syndrome (Álvarez-Mora et al. 2022. PubMed ID: 35183220). This variant is reported in 0.0058% of alleles in individuals of Latino descent in gnomAD. Frameshift variants in VPS13B are expected to be pathogenic. This variant is interpreted as pathogenic.

Counsyl
Classification: Likely pathogenic for Cohen syndrome. Last evaluated: 2016-06-28. Review status: no assertion criteria provided. Collection method: clinical testing. Allele origin: unknown. Not counted in ClinVar's aggregate classification.

Literature cited by the submitters: PubMed 25271213 (cited by 3 submitters); PubMed 15141358 (cited by Labcorp Genetics (formerly Invitae), Labcorp); PubMed 16648375 (cited by Labcorp Genetics (formerly Invitae), Labcorp); PubMed 20461111 (cited by Labcorp Genetics (formerly Invitae), Labcorp).

NM_152564.5(VPS13B):c.5923_5924del (p.Leu1975fs)

Gene: VPS13B (vacuolar protein sorting 13 homolog B; plus strand). Cytogenetic location: 8q22.2.
Variant type: Microsatellite.
Coding change: c.5923_5924del on transcript NM_152564.5 (MANE Select); coding-DNA positions 5923 to 5924, 2 bases deleted (CT; older notation c.5923_5924delCT).
Protein change: p.Leu1975fs; shifts the reading frame from leucine 1975.
Molecular consequence: frameshift variant.
Genome position (GRCh38, 1-based): chr8:99,661,368-99,661,369, CT deleted; deleting any 2 consecutive bases within chr8:99,661,366-99,661,369 gives the same sequence; the c. name uses the placement nearest the transcript's 3' end. VCF-style (leftmost placement, unchanged base first): chr8-99661365-ACT-A. GRCh37 (hg19) VCF-style: chr8-100673593-ACT-A.
Other names: c.5998_5999delCT (NM_017890.4); c.5923_5924delCT (NM_152564.4); c.5998_5999del (NM_017890.3); c.5998_5999del, p.Leu2000fs (NM_017890.5); short protein forms L2000fs, L1975fs.
Identifiers: ClinVar variation 280018 (VCV000280018.19), dbSNP rs886041323, ClinGen allele CA10603127.
Genomic context (GRCh38, chr8:99,661,365, plus strand): 5'-GATATTTGTGATGTAACTGATGTTTTTAATTTCAATTTTGTCACTTTAGATCCTGGGAAG[ACT>A]CTGCCTGAAGCCCTTGATTATTGCACTGTTTGGCTACAGACAGTGCCTGGAGAAATAGAC-3'